The following is an entry in ClinVar:

ClinVar aggregate classification (germline): Uncertain significance (1 of 4 stars; one submission).

Conditions:
Ehlers-Danlos syndrome, classic type, 1 (EDSCL1). Also called: EHLERS-DANLOS SYNDROME, GRAVIS TYPE; EHLERS-DANLOS SYNDROME, SEVERE CLASSIC TYPE; Ehlers-Danlos syndrome, type 1; Ehlers-Danlos Syndrome, Classic Type, COL5A1-Related; EDS I. Identifiers: MedGen C0268335, MONDO:0019567, OMIM 130000.

Submission:

Labcorp Genetics (formerly Invitae), Labcorp
Classification: Uncertain significance for Ehlers-Danlos syndrome, classic type, 1. Last evaluated: 2025-12-15. Review status: criteria provided, single submitter. Criteria: Invitae Variant Classification Sherloc (09022015). Collection method: clinical testing. Allele origin: germline.
Comment: This sequence change replaces alanine, which is neutral and non-polar, with threonine, which is neutral and polar, at codon 1409 of the COL5A1 protein (p.Ala1409Thr). This variant is not present in population databases (gnomAD no frequency). This missense change has been observed in individual(s) with clinical features of COL5A1-related conditions (internal data). Invitae Evidence Modeling of protein sequence and biophysical properties (such as structural, functional, and spatial information, amino acid conservation, physicochemical variation, residue mobility, and thermodynamic stability) indicates that this missense variant is not expected to disrupt COL5A1 protein function with a negative predictive value of 95%. In summary, the available evidence is currently insufficient to determine the role of this variant in disease. Therefore, it has been classified as a Variant of Uncertain Significance.

NM_000093.5(COL5A1):c.4225G>A (p.Ala1409Thr)

Gene: COL5A1 (collagen type V alpha 1 chain; plus strand). Cytogenetic location: 9q34.3.
Variant type: single nucleotide variant.
Coding change: c.4225G>A on transcript NM_000093.5 (MANE Select); coding-DNA position 4225, G replaced by A.
Protein change: p.Ala1409Thr; replaces alanine 1409 with threonine.
Molecular consequence: missense variant.
Genome position (GRCh38, 1-based): chr9:134,817,826, G>A. VCF-style: chr9-134817826-G-A. GRCh37 (hg19) VCF-style: chr9-137709672-G-A.
Other names: c.4225G>A, p.Ala1409Thr (NM_001278074.1); short protein forms A1409T.
Identifiers: ClinVar variation 4736928 (VCV004736928.1).